The following is an entry in ClinVar:

NM_020457.3(THAP11):c.351GCA[8] (p.Gln132_Ser133insGlnGlnGln)

Genes: CENPT (centromere protein T; minus strand), THAP11 (THAP domain containing 11; plus strand). Cytogenetic location: 16q22.1.
Variant type: Microsatellite.
Coding change: c.351GCA[8] on transcript NM_020457.3 (MANE Select); eight copies in a row of the 3-base unit GCA starting at c.351; the reference has five copies in a row; three copies, 9 bases duplicated.
Protein change: p.Gln132_Ser133insGlnGlnGln.
Molecular consequence: inframe insertion. On other transcripts: intron variant (1).
Genome position (GRCh38, 1-based): chr16:67,842,911-67,842,919, GCAGCAGCA duplicated; duplicating any 9 consecutive bases within chr16:67,842,903-67,842,919 gives the same sequence; the position shown is the placement nearest the transcript's 3' end. VCF-style (leftmost placement, unchanged base first): chr16-67842902-A-ACAGCAGCAG. GRCh37 (hg19) VCF-style: chr16-67876805-A-ACAGCAGCAG.
Other names: c.-492+4484CTG[8] (NM_025082.4).
Identifiers: ClinVar variation 3015514 (VCV003015514.3), dbSNP rs955056927, ClinGen allele CA283195439.
Genomic context (GRCh38, chr16:67,842,902, plus strand): 5'-GGCCGCGGCCGCCCGCCGCAGGCAGCAGCAGCAACAGCAGCAGCAGCAGCAACAGCAGCA[A>ACAGCAGCAG]CAGCAGCAGCAGCAGCAACAGCAGCAGCAGCAGCAGCAGCAGCAGCAGTCCTCACCCTCT-3'

ClinVar aggregate classification (germline): Uncertain significance (1 of 4 stars; one submission).

Submission:

Labcorp Genetics (formerly Invitae), Labcorp
Classification: Uncertain significance. Last evaluated: 2025-07-14. Review status: criteria provided, single submitter. Criteria: Invitae Variant Classification Sherloc (09022015). Collection method: clinical testing. Allele origin: germline.
Comment: This variant, c.357_365dup, results in the insertion of 3 amino acid(s) of the THAP11 protein (p.Gln130_Gln132dup), but otherwise preserves the integrity of the reading frame. This variant is not present in population databases (gnomAD no frequency). This variant has not been reported in the literature in individuals affected with THAP11-related conditions. In summary, the available evidence is currently insufficient to determine the role of this variant in disease. Therefore, it has been classified as a Variant of Uncertain Significance.